The following is an entry in ClinVar:

ClinVar aggregate classification (germline): Uncertain significance. Review status: criteria provided, multiple submitters, no conflicts (2 of 4 stars). 2 submissions from 2 submitters: Uncertain significance (2). Last evaluated 2019-05-10.

Conditions:
Bethlem myopathy 1A. Also called: Bethlem Muscular Dystrophy; MYOPATHY, BENIGN CONGENITAL, WITH CONTRACTURES; Bethlem myopathy 1. Identifiers: Orphanet 610, MedGen CN029274, MONDO:0024530, OMIM 158810.

gnomAD v4.1: 1 of 1,608,798 alleles (0.000062%); highest among the groups gnomAD compares: Non-Finnish European, 0.000085%; no homozygotes.

Submissions (2):

Labcorp Genetics (formerly Invitae), Labcorp
Classification: Uncertain significance for Bethlem myopathy 1A. Last evaluated: 2019-05-10. Review status: criteria provided, single submitter. Criteria: Invitae Variant Classification Sherloc (09022015). Collection method: clinical testing. Allele origin: germline.
Comment: In summary, the available evidence is currently insufficient to determine the role of this variant in disease. Therefore, it has been classified as a Variant of Uncertain Significance. Algorithms developed to predict the effect of missense changes on protein structure and function are either unavailable or do not agree on the potential impact of this missense change (SIFT: "Tolerated"; PolyPhen-2: "Possibly Damaging"; Align-GVGD: "Class C0"). This variant has not been reported in the literature in individuals with COL6A2-related conditions. ClinVar contains an entry for this variant (Variation ID: 290250). This variant is not present in population databases (ExAC no frequency). This sequence change replaces arginine with proline at codon 784 of the COL6A2 protein (p.Arg784Pro). The arginine residue is weakly conserved and there is a moderate physicochemical difference between arginine and proline.

Eurofins Ntd Llc (ga)
Classification: Uncertain significance. Last evaluated: 2017-05-05. Review status: criteria provided, single submitter. Criteria: EGL Classification Definitions 2015. Collection method: clinical testing. Allele origin: germline. Observed: 2 variant alleles, 2 heterozygotes.

NM_001849.4(COL6A2):c.2351G>C (p.Arg784Pro)

Gene: COL6A2 (collagen type VI alpha 2 chain; plus strand). Cytogenetic location: 21q22.3.
Variant type: single nucleotide variant.
Coding change: c.2351G>C on transcript NM_001849.4 (MANE Select); coding-DNA position 2351, G replaced by C.
Protein change: p.Arg784Pro; replaces arginine 784 with proline.
Molecular consequence: missense variant.
Genome position (GRCh38, 1-based): chr21:46,126,166, G>C. VCF-style: chr21-46126166-G-C. GRCh37 (hg19) VCF-style: chr21-47546080-G-C.
Other names: c.2351G>C, p.Arg784Pro (NM_058174.3, NM_058175.3); short protein forms R784P.
Identifiers: ClinVar variation 290250 (VCV000290250.14), dbSNP rs75120695, ClinGen allele CA10606707.